The following is an entry in ClinVar:

ClinVar aggregate classification (germline): Conflicting classifications of pathogenicity. Review status: criteria provided, conflicting classifications (1 of 4 stars). 4 submissions from 4 submitters: Uncertain significance (2); Benign (1); Likely benign (1). Last evaluated 2025-09-03.

Allele frequency attached by ClinVar (database versions not stated): ESP Exome Variant Server 0.00015; gnomAD 0.00039 and 0.00036; TOPMed 0.00044; 1000 Genomes Project 0.00060; 1000 Genomes Project 30x 0.00062.

Submissions (4):

Labcorp Genetics (formerly Invitae), Labcorp
Classification: Likely benign. Last evaluated: 2025-09-03. Review status: criteria provided, single submitter. Criteria: Invitae Variant Classification Sherloc (09022015). Collection method: clinical testing. Allele origin: germline.

Athena Diagnostics
Classification: Benign. Last evaluated: 2025-03-10. Review status: criteria provided, single submitter. Criteria: Athena Diagnostics Criteria. Collection method: clinical testing. Allele origin: unknown.
Comment: The frequency of this variant in the general population is higher than would generally be expected for pathogenic variants in this gene. Computational tools yielded predictions that this variant is unlikely to have an effect on normal RNA splicing. This nucleotide position exhibits low evolutionary conservation.

Genetic Services Laboratory, University of Chicago
Classification: Uncertain significance. Last evaluated: 2014-03-19. Review status: criteria provided, single submitter. Criteria: ACMG Guidelines, 2007. Collection method: clinical testing. Allele origin: germline. Inheritance: Autosomal recessive inheritance.

Eurofins Ntd Llc (ga)
Classification: Uncertain significance. Last evaluated: 2013-07-03. Review status: criteria provided, single submitter. Criteria: EGL Classification Definitions 2015. Collection method: clinical testing. Allele origin: germline. Observed: 1 variant allele, 1 heterozygote.

NM_006420.3(ARFGEF2):c.1233C>T (p.Leu411=)

Gene: ARFGEF2 (ARF guanine nucleotide exchange factor 2; plus strand). Cytogenetic location: 20q13.13.
Variant type: single nucleotide variant.
Coding change: c.1233C>T on transcript NM_006420.3 (MANE Select); coding-DNA position 1233, C replaced by T.
Protein change: p.Leu411=; no amino-acid change (leucine 411 retained).
Molecular consequence: synonymous variant.
Genome position (GRCh38, 1-based): chr20:48,971,162, C>T. VCF-style: chr20-48971162-C-T. GRCh37 (hg19) VCF-style: chr20-47587699-C-T.
Identifiers: ClinVar variation 95395 (VCV000095395.19), dbSNP rs147617265, ClinGen allele CA222951.